The following is an entry in ClinVar:

NM_000755.5(CRAT):c.329A>G (p.Tyr110Cys)

Gene: CRAT (carnitine O-acetyltransferase; minus strand). Cytogenetic location: 9q34.11.
Variant type: single nucleotide variant.
Coding change: c.329A>G on transcript NM_000755.5 (MANE Select); coding-DNA position 329, A replaced by G.
Protein change: p.Tyr110Cys; replaces tyrosine 110 with cysteine.
Molecular consequence: missense variant.
Genome position (GRCh38, 1-based): chr9:129,104,269, T>C on the plus strand (A>G on the coding strand, the complement: CRAT is on the minus strand). VCF-style: chr9-129104269-T-C. GRCh37 (hg19) VCF-style: chr9-131866548-T-C.
Other names: c.266A>G, p.Tyr89Cys (NM_001257363.3, NM_001346548.2, NM_004003.4); c.332A>G, p.Tyr111Cys (NM_001346546.2); c.329A>G, p.Tyr110Cys (NM_001346547.2); c.209A>G, p.Tyr70Cys (NM_001346549.2); short protein forms Y110C, Y89C, Y111C, Y70C.
Identifiers: ClinVar variation 617562 (VCV000617562.11), dbSNP rs141970897, ClinGen allele CA5275796.

ClinVar aggregate classification (germline): Likely benign. Review status: criteria provided, single submitter (1 of 4 stars). 3 submissions from 3 submitters: Likely benign (1). 2 of the submissions do not count toward it. Last evaluated 2026-01-21.

Conditions:
Deficiency of carnitine acetyltransferase. Also called: CARNITINE ACETYLTRANSFERASE DEFICIENCY. Identifiers: MedGen C1443228, MONDO:0011642, OMIM 606175.
CRAT-related disorder. Also called: CRAT-related condition.

Allele frequency attached by ClinVar (database versions not stated): 1000 Genomes Project 30x 0.00016; 1000 Genomes Project 0.00020; TOPMed 0.00071; gnomAD 0.00076; gnomAD exomes 0.00079 and 0.00113; ESP Exome Variant Server 0.00108; ExAC 0.00113.
gnomAD v4.1: 1,298 of 1,613,280 alleles (0.08%); highest among the groups gnomAD compares: Middle Eastern, 0.5%; 8 homozygotes.

Submissions (3):

Labcorp Genetics (formerly Invitae), Labcorp
Classification: Likely benign. Last evaluated: 2026-01-21. Review status: criteria provided, single submitter. Criteria: Invitae Variant Classification Sherloc (09022015). Collection method: clinical testing. Allele origin: germline.

PreventionGenetics, part of Exact Sciences
Classification: Likely benign for CRAT-related condition. Last evaluated: 2024-06-05. Review status: no assertion criteria provided. Collection method: clinical testing. Allele origin: germline. Not counted in ClinVar's aggregate classification.
Comment: This variant is classified as likely benign based on ACMG/AMP sequence variant interpretation guidelines (Richards et al. 2015 PMID: 25741868, with internal and published modifications).

Computational Biology Unit, University of Bari
Classification: Likely pathogenic for Deficiency of carnitine acetyltransferase. Review status: no assertion criteria provided. Collection method: research, in vitro. Allele origin: paternal. Affected: yes. Observed: 1 compound heterozygote. Segregation with disease observed. Not counted in ClinVar's aggregate classification.

Literature cited by the submitters: PubMed 31448845 (cited by Computational Biology Unit, University of Bari).